The following is an entry in ClinVar:

ClinVar aggregate classification (germline): Uncertain significance. Review status: criteria provided, multiple submitters, no conflicts (2 of 4 stars). 2 submissions from 2 submitters: Uncertain significance (2). Last evaluated 2025-06-13.

Conditions:
Hereditary cancer-predisposing syndrome. Also called: Neoplastic Syndromes, Hereditary; Tumor predisposition; Hereditary Cancer Syndrome; Hereditary neoplastic syndrome. Identifiers: Orphanet 140162, MedGen C0027672, MeSH D009386, MONDO:0015356.

gnomAD v4.1: 1 of 1,612,286 alleles (0.000062%); highest among the groups gnomAD compares: Non-Finnish European, 0.000085%; no homozygotes.

Submissions (2):

Ambry Genetics
Classification: Uncertain significance for Hereditary cancer-predisposing syndrome. Last evaluated: 2025-06-13. Review status: criteria provided, single submitter. Criteria: Ambry Variant Classification Scheme 2023. Collection method: clinical testing. Allele origin: germline.
Comment: The p.G128A variant (also known as c.383G>C), located in coding exon 2 of the RAD51C gene, results from a G to C substitution at nucleotide position 383. The glycine at codon 128 is replaced by alanine, an amino acid with similar properties. This variant was not reported in population based cohorts in the following databases: Database of Single Nucleotide Polymorphisms (dbSNP), NHLBI Exome Sequencing Project (ESP), and 1000 Genomes Project. In the ESP, this variant was not observed in 6503 samples (13006 alleles) with coverage at this position. To date, this alteration has been detected with an allele frequency of approximately 0.001% (greater than 175000 alleles tested) in our clinical cohort. This amino acid position is highly conserved in available vertebrate species. In addition, this alteration is predicted to be deleterious by in silico analysis. Since supporting evidence is limited at this time, the clinical significance of this alteration remains unclear.

Color Diagnostics, LLC DBA Color Health
Classification: Uncertain significance for Hereditary cancer-predisposing syndrome. Last evaluated: 2023-12-04. Review status: criteria provided, single submitter. Criteria: ACMG Guidelines, 2015. Collection method: clinical testing. Allele origin: germline.
Comment: This missense variant replaces glycine with alanine at codon 128 of the RAD51C protein. Computational prediction suggests that this variant may have deleterious impact on protein structure and function (internally defined REVEL score threshold >= 0.7, PMID: 27666373). To our knowledge, functional studies have not been reported for this variant. This variant has not been reported in individuals affected with RAD51C-related disorders in the literature. This variant has not been identified in the general population by the Genome Aggregation Database (gnomAD). The available evidence is insufficient to determine the role of this variant in disease conclusively. Therefore, this variant is classified as a Variant of Uncertain Significance.

NM_058216.3(RAD51C):c.383G>C (p.Gly128Ala)

Gene: RAD51C (RAD51 paralog C; plus strand). Cytogenetic location: 17q22.
Variant type: single nucleotide variant.
Coding change: c.383G>C on transcript NM_058216.3 (MANE Select); coding-DNA position 383, G replaced by C.
Protein change: p.Gly128Ala; replaces glycine 128 with alanine.
Molecular consequence: missense variant. On other transcripts: non-coding transcript variant (2).
Genome position (GRCh38, 1-based): chr17:58,695,168, G>C. VCF-style: chr17-58695168-G-C. GRCh37 (hg19) VCF-style: chr17-56772529-G-C.
Other names: c.383G>C, p.Gly128Ala (NM_002876.4); short protein forms G128A.
Identifiers: ClinVar variation 482169 (VCV000482169.11), dbSNP rs1555593874, ClinGen allele CA400341928.